The following is an entry in ClinVar:

NM_052947.4(ALPK2):c.2236G>C (p.Ala746Pro)

Gene: ALPK2 (alpha kinase 2; minus strand). Cytogenetic location: 18q21.31.
Variant type: single nucleotide variant.
Coding change: c.2236G>C on transcript NM_052947.4 (MANE Select); coding-DNA position 2236, G replaced by C.
Protein change: p.Ala746Pro; replaces alanine 746 with proline.
Molecular consequence: missense variant.
Genome position (GRCh38, 1-based): chr18:58,537,951, C>G on the plus strand (G>C on the coding strand, the complement: ALPK2 is on the minus strand). VCF-style: chr18-58537951-C-G. GRCh37 (hg19) VCF-style: chr18-56205183-C-G.
Other names: short protein forms A746P.
Identifiers: ClinVar variation 3530636 (VCV003530636.1).

ClinVar aggregate classification (germline): Uncertain significance (1 of 4 stars; one submission).

Submission:

Ambry Genetics
Classification: Uncertain significance. Last evaluated: 2024-07-03. Review status: criteria provided, single submitter. Criteria: Ambry Variant Classification Scheme 2023. Collection method: clinical testing. Allele origin: germline.
Comment: The p.A746P variant (also known as c.2236G>C), located in coding exon 4 of the ALPK2 gene, results from a G to C substitution at nucleotide position 2236. The alanine at codon 746 is replaced by proline, an amino acid with highly similar properties. This amino acid position is conserved. In addition, this alteration is predicted to be tolerated by in silico analysis. Based on the available evidence, the clinical significance of this variant remains unclear.